The following is an entry in ClinVar:

ClinVar aggregate classification (germline): Uncertain significance (1 of 4 stars; one submission).

Conditions:
Ehlers-Danlos syndrome, classic type, 1 (EDSCL1). Also called: EHLERS-DANLOS SYNDROME, GRAVIS TYPE; EHLERS-DANLOS SYNDROME, SEVERE CLASSIC TYPE; EDS I; Ehlers-Danlos Syndrome, Classic Type, COL5A1-Related; Ehlers-Danlos syndrome, type 1. Identifiers: MedGen C0268335, MONDO:0019567, OMIM 130000.

gnomAD v4.1: 3 of 1,613,676 alleles (0.00019%); highest among the groups gnomAD compares: South Asian, 0.0022%; no homozygotes.

Submission:

Labcorp Genetics (formerly Invitae), Labcorp
Classification: Uncertain significance for Ehlers-Danlos syndrome, classic type, 1. Last evaluated: 2017-07-25. Review status: criteria provided, single submitter. Criteria: Invitae Variant Classification Sherloc (09022015). Collection method: clinical testing. Allele origin: germline.
Comment: This variant is not present in population databases (ExAC no frequency). In summary, the available evidence is currently insufficient to determine the role of this variant in disease. Therefore, it has been classified as a Variant of Uncertain Significance. Algorithms developed to predict the effect of missense changes on protein structure and function (SIFT, PolyPhen-2, Align-GVGD) all suggest that this variant is likely to be disruptive, but these predictions have not been confirmed by published functional studies and their clinical significance is uncertain. This variant has not been reported in the literature in individuals with COL5A2-related disease. This sequence change replaces alanine with valine at codon 40 of the COL5A2 protein (p.Ala40Val). The alanine residue is highly conserved and there is a small physicochemical difference between alanine and valine.

NM_000393.5(COL5A2):c.119C>T (p.Ala40Val)

Gene: COL5A2 (collagen type V alpha 2 chain; minus strand). Cytogenetic location: 2q32.2.
Variant type: single nucleotide variant.
Coding change: c.119C>T on transcript NM_000393.5 (MANE Select); coding-DNA position 119, C replaced by T.
Protein change: p.Ala40Val; replaces alanine 40 with valine.
Molecular consequence: missense variant.
Genome position (GRCh38, 1-based): chr2:189,110,428, G>A on the plus strand (C>T on the coding strand, the complement: COL5A2 is on the minus strand). VCF-style: chr2-189110428-G-A. GRCh37 (hg19) VCF-style: chr2-189975154-G-A.
Other names: short protein forms A40V.
Identifiers: ClinVar variation 459725 (VCV000459725.10), dbSNP rs758092388, ClinGen allele CA349868820.